The following is an entry in ClinVar:

ClinVar aggregate classification (germline): Likely pathogenic (1 of 4 stars; one submission).

Conditions:
Wilson disease (WND). Also called: Wilson's disease. Identifiers: Orphanet 905, MedGen C0019202, MONDO:0010200, OMIM 277900. Disease mechanism: loss of function.

Submission:

Laboratory for Molecular Medicine, Mass General Brigham Personalized Medicine
Classification: Likely pathogenic for Wilson disease. Last evaluated: 2020-06-11. Review status: criteria provided, single submitter. Criteria: ACMG Guidelines, 2015. Collection method: clinical testing. Allele origin: germline.
Comment: The p.Val1217PhefsX2 variant in ATP7B has not been previously reported in individuals with Wilson disease and was absent from large population studies. This variant is predicted to cause a frameshift, which alters the protein’s amino acid sequence beginning at position 1217 and leads to a premature termination codon 2 amino acids downstream. This alteration is then predicted to lead to a truncated or absent protein. Loss of function of the ATP7B gene is an established disease mechanism in autosomal recessive Wilson disease. In summary, although additional studies are required to fully establish its clinical significance, this variant meets criteria to be classified as likely pathogenic for autosomal recessive Wilson disease. ACMG/AMP Criteria applied: PVS1, PM2.

NM_000053.4(ATP7B):c.3649del (p.Val1217fs)

Gene: ATP7B (ATPase copper transporting beta; minus strand). Cytogenetic location: 13q14.3.
Variant type: Deletion.
Coding change: c.3649del on transcript NM_000053.4 (MANE Select); coding-DNA position 3649, one base deleted (G; older notation c.3649delG).
Protein change: p.Val1217fs; shifts the reading frame from valine 1217.
Molecular consequence: frameshift variant.
Genome position (GRCh38, 1-based): chr13:51,939,101, C deleted on the plus strand (G on the coding strand, the reverse complement: ATP7B is on the minus strand); the first of 2 consecutive C bases (chr13:51,939,101-51,939,102); deleting either gives the same sequence. VCF-style (leftmost placement, unchanged base first): chr13-51939100-AC-A. GRCh37 (hg19) VCF-style: chr13-52513236-AC-A.
Other names: c.3643del, p.Val1215fs (NM_001406513.1); c.3616del, p.Val1206fs (NM_001406514.1); c.3595del, p.Val1199fs (NM_001406515.1, NM_001406516.1); c.3553del, p.Val1185fs (NM_001406517.1, NM_001406518.1); c.3514del, p.Val1172fs (NM_001406519.1); c.3505del, p.Val1169fs (NM_001406520.1, NM_001406521.1, NM_001406522.1); c.3163del, p.Val1055fs (NM_001406542.1, NM_001406541.1); c.3157del, p.Val1053fs (NM_001406543.1); and 20 more; short protein forms V1001fs, V1010fs, V1023fs, V1053fs, V1055fs, V1068fs, V1074fs, V1091fs.
Identifiers: ClinVar variation 3075806 (VCV003075806.1), dbSNP rs2547583270, ClinGen allele CA2623119629.